The following is an entry in ClinVar:

NM_000051.4(ATM):c.840T>A (p.Ile280=)

Gene: ATM (ATM serine/threonine kinase; plus strand). Cytogenetic location: 11q22.3.
Variant type: single nucleotide variant.
Coding change: c.840T>A on transcript NM_000051.4 (MANE Select); coding-DNA position 840, T replaced by A.
Protein change: p.Ile280=; no amino-acid change (isoleucine 280 retained).
Molecular consequence: synonymous variant.
Genome position (GRCh38, 1-based): chr11:108,244,965, T>A. VCF-style: chr11-108244965-T-A. GRCh37 (hg19) VCF-style: chr11-108115692-T-A.
Other names: c.840T>A, p.Ile280= (NM_001351834.2).
Identifiers: ClinVar variation 3254188 (VCV003254188.1), dbSNP rs1591504482.

ClinVar aggregate classification (germline): Benign (1 of 4 stars; one submission).

Conditions:
Familial cancer of breast. Also called: BREAST CANCER, FAMILIAL; Hereditary breast cancer; hereditary breast carcinoma. Identifiers: Orphanet 227535, MedGen C0346153, MONDO:0016419, OMIM 114480. Disease mechanism: loss of function.

Submission:

Myriad Genetics, Inc.
Classification: Benign for Familial cancer of breast. Last evaluated: 2024-04-23. Review status: criteria provided, single submitter. Criteria: Myriad Autosomal Dominant, Autosomal Recessive and X-Linked Classification Criteria (2023). Collection method: clinical testing. Allele origin: unknown.
Comment: This variant is considered benign. This variant is a silent/synonymous amino acid change and it is not expected to impact splicing.